The following is an entry in ClinVar:

ClinVar aggregate classification (germline): Uncertain significance (1 of 4 stars; one submission).

Conditions:
Perlman syndrome (PRLMNS). Identifiers: Orphanet 2849, MedGen C0796113, MONDO:0009965, OMIM 267000.

Allele frequency attached by ClinVar (database versions not stated): ExAC 0.00001.
gnomAD v4.1: 3 of 1,614,168 alleles (0.00019%); highest among the groups gnomAD compares: South Asian, 0.0033%; no homozygotes.

Submission:

Labcorp Genetics (formerly Invitae), Labcorp
Classification: Uncertain significance for Perlman syndrome. Last evaluated: 2023-11-08. Review status: criteria provided, single submitter. Criteria: Invitae Variant Classification Sherloc (09022015). Collection method: clinical testing. Allele origin: germline.
Comment: This sequence change replaces glycine, which is neutral and non-polar, with aspartic acid, which is acidic and polar, at codon 341 of the DIS3L2 protein (p.Gly341Asp). This variant is present in population databases (rs781451057, gnomAD 0.003%). This variant has not been reported in the literature in individuals affected with DIS3L2-related conditions. Advanced modeling of protein sequence and biophysical properties (such as structural, functional, and spatial information, amino acid conservation, physicochemical variation, residue mobility, and thermodynamic stability) performed at Invitae indicates that this missense variant is not expected to disrupt DIS3L2 protein function with a negative predictive value of 80%. In summary, the available evidence is currently insufficient to determine the role of this variant in disease. Therefore, it has been classified as a Variant of Uncertain Significance.

NM_152383.5(DIS3L2):c.1022G>A (p.Gly341Asp)

Gene: DIS3L2 (DIS3 like 3'-5' exoribonuclease 2; plus strand). Cytogenetic location: 2q37.1.
Variant type: single nucleotide variant.
Coding change: c.1022G>A on transcript NM_152383.5 (MANE Select); coding-DNA position 1022, G replaced by A.
Protein change: p.Gly341Asp; replaces glycine 341 with aspartic acid.
Molecular consequence: missense variant. On other transcripts: non-coding transcript variant (2).
Genome position (GRCh38, 1-based): chr2:232,163,530, G>A. VCF-style: chr2-232163530-G-A. GRCh37 (hg19) VCF-style: chr2-233028240-G-A.
Other names: c.1022G>A, p.Gly341Asp (NM_001257281.2); short protein forms G341D.
Identifiers: ClinVar variation 2899651 (VCV002899651.3), dbSNP rs781451057, ClinGen allele CA2163993.
Genomic context (GRCh38, chr2:232,163,530, plus strand): 5'-AGAGTCTTGGGCAGGCTGGTGAAATTGAGCCTGAAACAGAAGGAATACTAACAGAGTATG[G>A]CGTGGATTTCTCTGATTTCTCTTCAGAAGTTCTAGAATGTCTTCCTCAAGGCCTGCCATG-3'
Protein context (NP_689596.4, residues 331-351): PETEGILTEY[Gly341Asp]VDFSDFSSEV